The following is an entry in ClinVar:

ClinVar aggregate classification (germline): Uncertain significance (1 of 4 stars; one submission).

Conditions:
SLC17A8-related disorder. Also called: SLC17A8-related condition.

Submission:

PreventionGenetics, part of Exact Sciences
Classification: Uncertain significance for SLC17A8-related condition. Last evaluated: 2026-06-23. Review status: criteria provided, single submitter. Criteria: ACMG Guidelines, 2015. Collection method: clinical testing. Allele origin: germline.
Comment: The SLC17A8 c.190dupC variant is predicted to result in a frameshift and premature protein termination (p.Leu64Profs*44). To our knowledge, this variant has not been reported in the literature or in a large population database (gnomAD), indicating this variant is rare. At this time, the clinical significance of this variant is uncertain due to the absence of conclusive functional and genetic evidence.

NM_139319.3(SLC17A8):c.190dup (p.Leu64fs)

Gene: SLC17A8 (solute carrier family 17 member 8; plus strand). Cytogenetic location: 12q23.1.
Variant type: Duplication.
Coding change: c.190dup on transcript NM_139319.3 (MANE Select); coding-DNA position 190, one base duplicated (C; older notation c.190dupC).
Protein change: p.Leu64fs; shifts the reading frame from leucine 64.
Molecular consequence: frameshift variant.
Genome position (GRCh38, 1-based): chr12:100,380,789, C duplicated. VCF-style (leftmost placement, unchanged base first): chr12-100380788-A-AC. GRCh37 (hg19) VCF-style: chr12-100774566-A-AC.
Other names: c.190dup, p.Leu64fs (NM_001145288.2); short protein forms L64fs.
Identifiers: ClinVar variation 4989064 (VCV004989064.1).